The following is an entry in ClinVar:

ClinVar aggregate classification (germline): Uncertain significance (1 of 4 stars; one submission).

Submission:

GeneDx
Classification: Uncertain significance. Last evaluated: 2021-05-24. Review status: criteria provided, single submitter. Criteria: GeneDx Variant Classification Process June 2021. Collection method: clinical testing. Allele origin: germline. Affected: yes.
Comment: Not observed at significant frequency in large population cohorts (Lek et al., 2016); In silico analysis supports that this missense variant has a deleterious effect on protein structure/function; Has not been previously published as pathogenic or benign to our knowledge

NM_006766.5(KAT6A):c.248C>G (p.Pro83Arg)

Gene: KAT6A (lysine acetyltransferase 6A; minus strand). Cytogenetic location: 8p11.21.
Variant type: single nucleotide variant.
Coding change: c.248C>G on transcript NM_006766.5 (MANE Select); coding-DNA position 248, C replaced by G.
Protein change: p.Pro83Arg; replaces proline 83 with arginine.
Molecular consequence: missense variant.
Genome position (GRCh38, 1-based): chr8:42,048,730, G>C on the plus strand (C>G on the coding strand, the complement: KAT6A is on the minus strand). VCF-style: chr8-42048730-G-C. GRCh37 (hg19) VCF-style: chr8-41906248-G-C.
Other names: c.248C>G, p.Pro83Arg (NM_001305878.2); short protein forms P83R.
Identifiers: ClinVar variation 1326554 (VCV001326554.2), dbSNP rs2150932905, ClinGen allele CA371175086.